The following is an entry in ClinVar:

ClinVar aggregate classification (germline): Uncertain significance (1 of 4 stars; one submission).

Conditions:
WDFY3-related disorder.

Allele frequency attached by ClinVar (database versions not stated): gnomAD exomes below 0.00001.
gnomAD v4.1: 4 of 1,614,098 alleles (0.00025%); highest among the groups gnomAD compares: Non-Finnish European, 0.00017%; no homozygotes.

Submission:

PreventionGenetics, part of Exact Sciences
Classification: Uncertain significance for WDFY3-related condition. Last evaluated: 2023-02-20. Review status: criteria provided, single submitter. Criteria: ACMG Guidelines, 2015. Collection method: clinical testing. Allele origin: germline.
Comment: The WDFY3 c.6707C>G variant is predicted to result in the amino acid substitution p.Ala2236Gly. To our knowledge, this variant has not been reported in the literature. This variant is reported in 0.00088% of alleles in individuals of European (Non-Finnish) descent in gnomAD. At this time, the clinical significance of this variant is uncertain due to the absence of conclusive functional and genetic evidence.

NM_014991.6(WDFY3):c.6707C>G (p.Ala2236Gly)

Gene: WDFY3 (WD repeat and FYVE domain containing 3; minus strand). Cytogenetic location: 4q21.23.
Variant type: single nucleotide variant.
Coding change: c.6707C>G on transcript NM_014991.6 (MANE Select); coding-DNA position 6707, C replaced by G.
Protein change: p.Ala2236Gly; replaces alanine 2236 with glycine.
Molecular consequence: missense variant.
Genome position (GRCh38, 1-based): chr4:84,737,234, G>C on the plus strand (C>G on the coding strand, the complement: WDFY3 is on the minus strand). VCF-style: chr4-84737234-G-C. GRCh37 (hg19) VCF-style: chr4-85658387-G-C.
Other names: short protein forms A2236G.
Identifiers: ClinVar variation 2630197 (VCV002630197.1), dbSNP rs2532001444, ClinGen allele CA357551927.